The following is an entry in ClinVar:

NM_032119.4(ADGRV1):c.18433-9_18433-5del

Gene: ADGRV1 (adhesion G protein-coupled receptor V1; plus strand). Cytogenetic location: 5q14.3.
Variant type: Deletion.
Coding change: c.18433-9_18433-5del on transcript NM_032119.4 (MANE Select); 9 bases into the intron before coding-DNA position 18433 through 5 bases into the intron before coding-DNA position 18433, 5 bases deleted (TTTTT; older notation c.18433-9_18433-5delTTTTT).
Molecular consequence: intron variant.
Genome position (GRCh38, 1-based): chr5:91,150,021-91,150,025, TTTTT deleted; deleting any 5 consecutive bases within chr5:91,150,010-91,150,025 gives the same sequence; the c. name uses the placement nearest the transcript's 3' end. VCF-style (leftmost placement, unchanged base first): chr5-91150009-CTTTTT-C. GRCh37 (hg19) VCF-style: chr5-90445826-CTTTTT-C.
Other names: c.18433-9_18433-5del5 (NM_032119.3).
Identifiers: ClinVar variation 500201 (VCV000500201.9), dbSNP rs35858094, ClinGen allele CA3342653.

ClinVar aggregate classification (germline): Conflicting classifications of pathogenicity. Review status: criteria provided, conflicting classifications (1 of 4 stars). 4 submissions from 4 submitters: Uncertain significance (2); Likely benign (1). 1 of the submissions does not count toward it. Last evaluated 2024-10-09.

Conditions:
ADGRV1-related disorder. Also called: ADGRV1-related condition; ADGRV1-related disorders.

Submissions (4):

Blueprint Genetics
Classification: Likely benign. Last evaluated: 2024-10-09. Review status: criteria provided, single submitter. Criteria: ACMG Guidelines, 2015. Collection method: clinical testing. Allele origin: germline.

Eurofins Ntd Llc (ga)
Classification: Uncertain significance. Last evaluated: 2017-03-08. Review status: criteria provided, single submitter. Criteria: EGL Classification Definitions 2015. Collection method: clinical testing. Allele origin: germline. Observed: 1 variant allele.

Breakthrough Genomics
Classification: Uncertain significance. Review status: criteria provided, single submitter. Criteria: ACMG Guidelines, 2015. Collection method: not provided. Allele origin: germline. Inheritance: Autosomal recessive inheritance. Affected: yes.

PreventionGenetics, part of Exact Sciences
Classification: Likely benign for ADGRV1-related condition. Last evaluated: 2019-12-11. Review status: no assertion criteria provided. Collection method: clinical testing. Allele origin: germline. Not counted in ClinVar's aggregate classification.
Comment: This variant is classified as likely benign based on ACMG/AMP sequence variant interpretation guidelines (Richards et al. 2015 PMID: 25741868, with internal and published modifications).